The following is an entry in ClinVar:

ClinVar aggregate classification (germline): Likely benign. Review status: criteria provided, multiple submitters, no conflicts (2 of 4 stars). 3 submissions from 3 submitters: Likely benign (3). Last evaluated 2025-02-03.

Conditions:
Hereditary insensitivity to pain with anhidrosis (CIPA). Also called: hereditary sensory and autonomic neuropathy type 4; INSENSITIVITY TO PAIN, CONGENITAL, WITH ANHIDROSIS; HSAN Type IV; NTRK1 Congenital Insensitivity to Pain with Anhidrosis; NEUROPATHY, CONGENITAL SENSORY, WITH ANHIDROSIS; FAMILIAL DYSAUTONOMIA, TYPE II. Identifiers: Orphanet 642, MedGen C0020074, MONDO:0009746, OMIM 256800.

Allele frequency attached by ClinVar (database versions not stated): TOPMed 0.00002.
gnomAD v4.1: 35 of 1,614,000 alleles (0.0022%); highest among the groups gnomAD compares: East Asian, 0.016%; no homozygotes.

Submissions (3):

Labcorp Genetics (formerly Invitae), Labcorp
Classification: Likely benign for Hereditary insensitivity to pain with anhidrosis. Last evaluated: 2025-02-03. Review status: criteria provided, single submitter. Criteria: Invitae Variant Classification Sherloc (09022015). Collection method: clinical testing. Allele origin: germline.

Genome-Nilou Lab
Classification: Likely benign for Hereditary insensitivity to pain with anhidrosis. Last evaluated: 2023-04-11. Review status: criteria provided, single submitter. Criteria: ACMG Guidelines, 2015. Collection method: clinical testing. Allele origin: germline. Affected: no.

GeneDx
Classification: Likely benign. Last evaluated: 2016-11-15. Review status: criteria provided, single submitter. Criteria: GeneDx Variant Classification (06012015). Collection method: clinical testing. Allele origin: germline. Affected: yes.
Comment: This variant is considered likely benign or benign based on one or more of the following criteria: it is a conservative change, it occurs at a poorly conserved position in the protein, it is predicted to be benign by multiple in silico algorithms, and/or has population frequency not consistent with disease.

NM_002529.4(NTRK1):c.428+12C>T

Gene: NTRK1 (neurotrophic receptor tyrosine kinase 1; plus strand). Cytogenetic location: 1q23.1.
Variant type: single nucleotide variant.
Coding change: c.428+12C>T on transcript NM_002529.4 (MANE Select); 12 bases into the intron after coding-DNA position 428, C replaced by T.
Molecular consequence: intron variant.
Genome position (GRCh38, 1-based): chr1:156,866,990, C>T. VCF-style: chr1-156866990-C-T. GRCh37 (hg19) VCF-style: chr1-156836782-C-T.
Other names: c.338+12C>T (NM_001007792.1); c.428+12C>T (NM_001012331.2).
Identifiers: ClinVar variation 391056 (VCV000391056.9), dbSNP rs41267425, ClinGen allele CA1168956.